The following is an entry in ClinVar:

ClinVar aggregate classification (germline): Uncertain significance. Review status: criteria provided, multiple submitters, no conflicts (2 of 4 stars). 2 submissions from 2 submitters: Uncertain significance (2). Last evaluated 2026-03-24.

Conditions:
WFS1-related disorder. Identifiers: MedGen CN379391, MONDO:0700293.
Inborn genetic diseases. Identifiers: MedGen C0950123, MeSH D030342.

Allele frequency attached by ClinVar (database versions not stated): gnomAD exomes 0.00001; ExAC 0.00002.
gnomAD v4.1: 3 of 1,614,008 alleles (0.00019%); highest among the groups gnomAD compares: South Asian, 0.0033%; no homozygotes.

Submissions (2):

PreventionGenetics, part of Exact Sciences
Classification: Uncertain significance for WFS1-related condition. Last evaluated: 2026-03-24. Review status: criteria provided, single submitter. Criteria: ACMG Guidelines, 2015. Collection method: clinical testing. Allele origin: germline.
Comment: The WFS1 c.1274A>C variant is predicted to result in the amino acid substitution p.Asp425Ala. To our knowledge, this variant has not been reported in the literature. This variant is reported in 0.0098% of alleles in individuals of South Asian descent in gnomAD. At this time, the clinical significance of this variant is uncertain due to the absence of conclusive functional and genetic evidence.

Ambry Genetics
Classification: Uncertain significance for Inborn genetic diseases. Last evaluated: 2022-05-30. Review status: criteria provided, single submitter. Criteria: Ambry Variant Classification Scheme 2023. Collection method: clinical testing. Allele origin: germline.

NM_006005.3(WFS1):c.1274A>C (p.Asp425Ala)

Gene: WFS1 (wolframin ER transmembrane glycoprotein; plus strand). Cytogenetic location: 4p16.1.
Variant type: single nucleotide variant.
Coding change: c.1274A>C on transcript NM_006005.3 (MANE Select); coding-DNA position 1274, A replaced by C.
Protein change: p.Asp425Ala; replaces aspartic acid 425 with alanine.
Molecular consequence: missense variant.
Genome position (GRCh38, 1-based): chr4:6,301,069, A>C. VCF-style: chr4-6301069-A-C. GRCh37 (hg19) VCF-style: chr4-6302796-A-C.
Other names: c.1274A>C, p.Asp425Ala (NM_001145853.1); short protein forms D425A.
Identifiers: ClinVar variation 2293091 (VCV002293091.3), dbSNP rs776761516, ClinGen allele CA2839292.
Genomic context (GRCh38, chr4:6,301,069, plus strand): 5'-ATGCCCATTTCCTGCTCTCTGTCTTCTTCGTCATCTTCTCCTTCCCCATCGCCAGCAAGG[A>C]CTGCATCCCCTGCTCGGAGCTGGCTGTCATCACCGGCTTCTTTACCGTGACCAGCTACCT-3'
Protein context (NP_005996.2, residues 415-435): VIFSFPIASK[Asp425Ala]CIPCSELAVI